The following is an entry in ClinVar:

NM_001854.4(COL11A1):c.4763A>G (p.Gln1588Arg)

Gene: COL11A1 (collagen type XI alpha 1 chain; minus strand). Cytogenetic location: 1p21.1.
Variant type: single nucleotide variant.
Coding change: c.4763A>G on transcript NM_001854.4 (MANE Select); coding-DNA position 4763, A replaced by G.
Protein change: p.Gln1588Arg; replaces glutamine 1588 with arginine.
Molecular consequence: missense variant. On other transcripts: non-coding transcript variant (1).
Genome position (GRCh38, 1-based): chr1:102,886,902, T>C on the plus strand (A>G on the coding strand, the complement: COL11A1 is on the minus strand). VCF-style: chr1-102886902-T-C. GRCh37 (hg19) VCF-style: chr1-103352458-T-C.
Other names: c.4799A>G, p.Gln1600Arg (NM_080629.3); c.4415A>G, p.Gln1472Arg (NM_080630.4); c.4646A>G, p.Gln1549Arg (NM_001190709.2); c.4763A>G (NM_001854.3); short protein forms Q1549R, Q1600R, Q1588R, Q1472R.
Identifiers: ClinVar variation 1373782 (VCV001373782.8), dbSNP rs747648407, ClinGen allele CA28151572.

ClinVar aggregate classification (germline): Uncertain significance. Review status: criteria provided, single submitter (1 of 4 stars). 2 submissions from 2 submitters: Uncertain significance (1). 1 of the submissions does not count toward it. Last evaluated 2022-01-16.

Conditions:
COL11A1-related disorder. Also called: COL11A1-related condition; COL11A1-related disorders.

Allele frequency attached by ClinVar (database versions not stated): gnomAD exomes 0.00001.
gnomAD v4.1: 10 of 1,613,900 alleles (0.00062%); highest among the groups gnomAD compares: Non-Finnish European, 0.00085%; no homozygotes.

Submissions (2):

Labcorp Genetics (formerly Invitae), Labcorp
Classification: Uncertain significance. Last evaluated: 2022-01-16. Review status: criteria provided, single submitter. Criteria: Invitae Variant Classification Sherloc (09022015). Collection method: clinical testing. Allele origin: germline.
Comment: This sequence change replaces glutamine, which is neutral and polar, with arginine, which is basic and polar, at codon 1588 of the COL11A1 protein (p.Gln1588Arg). This variant is not present in population databases (gnomAD no frequency). This variant has not been reported in the literature in individuals affected with COL11A1-related conditions. Advanced modeling of protein sequence and biophysical properties (such as structural, functional, and spatial information, amino acid conservation, physicochemical variation, residue mobility, and thermodynamic stability) performed at Invitae indicates that this missense variant is not expected to disrupt COL11A1 protein function. In summary, the available evidence is currently insufficient to determine the role of this variant in disease. Therefore, it has been classified as a Variant of Uncertain Significance.

PreventionGenetics, part of Exact Sciences
Classification: Uncertain significance for COL11A1-related condition. Last evaluated: 2024-01-19. Review status: no assertion criteria provided. Collection method: clinical testing. Allele origin: germline. Not counted in ClinVar's aggregate classification.
Comment: The COL11A1 c.4763A>G variant is predicted to result in the amino acid substitution p.Gln1588Arg. To our knowledge, this variant has not been reported in the literature or in a large population database, indicating this variant is rare. At this time, the clinical significance of this variant is uncertain due to the absence of conclusive functional and genetic evidence.